The following is an entry in ClinVar:

NM_000327.4(ROM1):c.199C>G (p.Leu67Val)

Gene: ROM1 (retinal outer segment membrane protein 1; plus strand). Cytogenetic location: 11q12.3.
Variant type: single nucleotide variant.
Coding change: c.199C>G on transcript NM_000327.4 (MANE Select); coding-DNA position 199, C replaced by G.
Protein change: p.Leu67Val; replaces leucine 67 with valine.
Molecular consequence: missense variant.
Genome position (GRCh38, 1-based): chr11:62,613,480, C>G. VCF-style: chr11-62613480-C-G. GRCh37 (hg19) VCF-style: chr11-62380952-C-G.
Other names: short protein forms L67V.
Identifiers: ClinVar variation 2056306 (VCV002056306.4), dbSNP rs779622951, ClinGen allele CA6049668.

ClinVar aggregate classification (germline): Uncertain significance (1 of 4 stars; one submission).

Allele frequency attached by ClinVar (database versions not stated): gnomAD 0.00001; ExAC 0.00002; gnomAD exomes 0.00002; TOPMed 0.00002.
gnomAD v4.1: 25 of 1,613,434 alleles (0.0015%); highest among the groups gnomAD compares: African/African-American, 0.0053%; no homozygotes.

Submission:

Labcorp Genetics (formerly Invitae), Labcorp
Classification: Uncertain significance. Last evaluated: 2025-02-04. Review status: criteria provided, single submitter. Criteria: Invitae Variant Classification Sherloc (09022015). Collection method: clinical testing. Allele origin: germline.
Comment: This sequence change replaces leucine, which is neutral and non-polar, with valine, which is neutral and non-polar, at codon 67 of the ROM1 protein (p.Leu67Val). This variant is present in population databases (rs779622951, gnomAD 0.01%). This variant has not been reported in the literature in individuals affected with ROM1-related conditions. ClinVar contains an entry for this variant (Variation ID: 2056306). Invitae Evidence Modeling of protein sequence and biophysical properties (such as structural, functional, and spatial information, amino acid conservation, physicochemical variation, residue mobility, and thermodynamic stability) indicates that this missense variant is not expected to disrupt ROM1 protein function with a negative predictive value of 80%. In summary, the available evidence is currently insufficient to determine the role of this variant in disease. Therefore, it has been classified as a Variant of Uncertain Significance.